The following is an entry in ClinVar:

NM_133379.5(TTN):c.13347A>G (p.Ile4449Met)

Gene: TTN (titin; minus strand). Cytogenetic location: 2q31.2.
Variant type: single nucleotide variant.
Coding change: c.13347A>G on transcript NM_133379.5; coding-DNA position 13347, A replaced by G.
Protein change: p.Ile4449Met; replaces isoleucine 4449 with methionine.
Molecular consequence: missense variant. On other transcripts: intron variant (6).
Genome position (GRCh38, 1-based): chr2:178,749,053, T>C on the plus strand (A>G on the coding strand, the complement: TTN is on the minus strand). VCF-style: chr2-178749053-T-C. GRCh37 (hg19) VCF-style: chr2-179613780-T-C.
Other names: p.I4449M:ATA>ATG; c.10222+4071A>G (NM_003319.4); c.10798+4071A>G (NM_133437.4); c.10597+4071A>G (NM_133432.3); c.10360+4071A>G (NM_133378.4, NM_001256850.1); c.11311+4071A>G (NM_001267550.2); c.13347A>G (NM_133379.4); short protein forms I4449M.
Identifiers: ClinVar variation 47752 (VCV000047752.16), dbSNP rs144539321, ClinGen allele CA141832.

ClinVar aggregate classification (germline): Benign/Likely benign. Review status: criteria provided, multiple submitters, no conflicts (2 of 4 stars). 9 submissions from 9 submitters: Benign (1); Likely benign (6). 2 of the submissions do not count toward it. Last evaluated 2025-06-25.

Conditions:
TTN-related disorder. Also called: TTN-related condition; TTN-related disease; TTN-related disorders.
Autosomal recessive limb-girdle muscular dystrophy type 2J (LGMDR10). Also called: Limb-girdle muscular dystrophy, type 2J; MUSCULAR DYSTROPHY, LIMB-GIRDLE, AUTOSOMAL RECESSIVE 10. Identifiers: Orphanet 140922, MedGen C1837342, MONDO:0012127, OMIM 608807.
Hypertrophic cardiomyopathy 9. Also called: Familial hypertrophic cardiomyopathy 9. Identifiers: MedGen C1861065, MONDO:0013412, OMIM 613765.
Tibial muscular dystrophy (TMD). Also called: UDD MYOPATHY; Udd Distal Myopathy – Tibial Muscular Dystrophy; Tibial muscular dystrophy, tardive. Identifiers: Orphanet 609, MedGen C1838244, MONDO:0010870, OMIM 600334.
Dilated cardiomyopathy 1G (CMD1G). Identifiers: Orphanet 154, MedGen C1858763, MONDO:0011400, OMIM 604145.
Early-onset myopathy with fatal cardiomyopathy (CMYO5). Also called: Salih Myopathy; CONGENITAL MYOPATHY 5 WITH CARDIOMYOPATHY. Identifiers: Orphanet 289377, MedGen C2673677, MONDO:0012714, OMIM 611705. Disease mechanism: loss of function.
Myopathy, myofibrillar, 9, with early respiratory failure (MFM9). Also called: Hereditary myopathy with early respiratory failure; EDSTROM MYOPATHY; MYOPATHY, PROXIMAL, WITH EARLY RESPIRATORY MUSCLE INVOLVEMENT; Myopathy, distal, with early respiratory failure, autosomal dominant. Identifiers: Orphanet 178464, Orphanet 34521, MedGen C1863599, MONDO:0011362, OMIM 603689.
Limb-girdle muscular dystrophy (LGMD). Also called: Muscular Dystrophies, Limb-Girdle. Identifiers: Orphanet 263, MedGen C0686353, MeSH D049288, MONDO:0016971, HP:0006785.

Allele frequency attached by ClinVar (database versions not stated): gnomAD exomes 0.00020 and 0.00044; ExAC 0.00060; 1000 Genomes Project 0.00140; 1000 Genomes Project 30x 0.00156; gnomAD 0.00179 and 0.00200; TOPMed 0.00193; ESP Exome Variant Server 0.00246.
gnomAD v4.1: 577 of 1,612,778 alleles (0.036%); highest among the groups gnomAD compares: African/African-American, 0.69%; 3 homozygotes.

Submissions (9):

ARUP Laboratories, Molecular Genetics and Genomics, ARUP Laboratories
Classification: Benign. Last evaluated: 2025-06-25. Review status: criteria provided, single submitter. Criteria: ARUP Molecular Germline Variant Investigation Process 2024. Collection method: clinical testing. Allele origin: germline.

Molecular Diagnostic Laboratory for Inherited Cardiovascular Disease, Montreal Heart Institute
Classification: Likely benign. Last evaluated: 2025-04-09. Review status: criteria provided, single submitter. Criteria: ACMG Guidelines, 2015. Collection method: clinical testing. Allele origin: germline. Affected: no.

Blueprint Genetics
Classification: Likely benign. Last evaluated: 2024-10-14. Review status: criteria provided, single submitter. Criteria: ACMG Guidelines, 2015. Collection method: clinical testing. Allele origin: germline.

Fulgent Genetics
Classification: Likely benign for Tibial muscular dystrophy; Myopathy, myofibrillar, 9, with early respiratory failure; Dilated cardiomyopathy 1G; Autosomal recessive limb-girdle muscular dystrophy type 2J; Early-onset myopathy with fatal cardiomyopathy; Hypertrophic cardiomyopathy 9. Last evaluated: 2021-08-02. Review status: criteria provided, single submitter. Criteria: ACMG Guidelines, 2015. Collection method: clinical testing. Allele origin: unknown.

Cambridge Genomics Laboratory, East Genomic Laboratory Hub, NHS Genomic Medicine Service
Classification: Likely benign for Limb-girdle muscular dystrophy. Last evaluated: 2019-09-03. Review status: criteria provided, single submitter. Criteria: ACGS Best Practice Guidelines for Variant Classification in Rare Disease 2020. Collection method: clinical testing. Allele origin: germline. Affected: yes. Observed: 1 variant allele.

Eurofins Ntd Llc (ga)
Classification: Likely benign. Last evaluated: 2016-12-30. Review status: criteria provided, single submitter. Criteria: EGL Classification Definitions 2015. Collection method: clinical testing. Allele origin: germline. Observed: 2 variant alleles, 2 heterozygotes.

Laboratory for Molecular Medicine, Mass General Brigham Personalized Medicine
Classification: Likely benign. Last evaluated: 2015-06-12. Review status: criteria provided, single submitter. Criteria: LMM Criteria. Collection method: clinical testing. Allele origin: germline. Observed: 6 variant alleles.
Comment: p.Ile4449Met in exon 45A of TTN: This variant is not expected to have clinical s ignificance because it has been identified in 0.7% (69/9888) of African chromoso mes by the Exome Aggregation Consortium (ExAC; d bSNP rs144539321).

PreventionGenetics, part of Exact Sciences
Classification: Benign for TTN-related condition. Last evaluated: 2019-08-21. Review status: no assertion criteria provided. Collection method: clinical testing. Allele origin: germline. Not counted in ClinVar's aggregate classification.
Comment: This variant is classified as benign based on ACMG/AMP sequence variant interpretation guidelines (Richards et al. 2015 PMID: 25741868, with internal and published modifications).

GeneDx
No classification provided. Last evaluated: 2014-02-14. Review status: no classification provided. Criteria: GeneDx Variant Classification (06012015). Collection method: clinical testing. Allele origin: germline. Affected: yes. Not counted in ClinVar's aggregate classification.
Comment: Missense variants in the TTN gene are considered 'unclassified' if they are not previously reported in the literature and do not have >1% frequency in the population to be considered a polymorphism. Research indicates that truncating mutations in the TTN gene are expected to account for approximately 25% of familial and 18% of sporadic idiopathic DCM; however, truncating variants in the TTN gene have been reported in approximately 3% of reported control alleles. There has been little investigation into non-truncating variants. (Herman D et al. Truncations of titin causing dilated cardiomyopathy. N Eng J Med 366:619-628, 2012) The variant is found in DCM-CRDM panel(s).